The following is an entry in ClinVar:

NM_002471.4(MYH6):c.2614C>T (p.Arg872Cys)

Gene: MYH6 (myosin heavy chain 6; minus strand). Cytogenetic location: 14q11.2.
Variant type: single nucleotide variant.
Coding change: c.2614C>T on transcript NM_002471.4 (MANE Select); coding-DNA position 2614, C replaced by T.
Protein change: p.Arg872Cys; replaces arginine 872 with cysteine.
Molecular consequence: missense variant.
Genome position (GRCh38, 1-based): chr14:23,394,139, G>A on the plus strand (C>T on the coding strand, the complement: MYH6 is on the minus strand). VCF-style: chr14-23394139-G-A. GRCh37 (hg19) VCF-style: chr14-23863348-G-A.
Other names: short protein forms R872C.
Identifiers: ClinVar variation 44470 (VCV000044470.54), dbSNP rs201193346, ClinGen allele CA134292.

ClinVar aggregate classification (germline): Conflicting classifications of pathogenicity. Review status: criteria provided, conflicting classifications (1 of 4 stars). 9 submissions from 9 submitters: Uncertain significance (3); Benign (1); Likely benign (5). Last evaluated 2026-04-02.

Conditions:
Cardiovascular phenotype. Identifiers: MedGen CN230736.
Cardiomyopathy (CMYO). Also called: Cardiomyopathies. Identifiers: Orphanet 167848, MedGen C0878544, MONDO:0004994, HP:0001638. Inheritance: Various modes of inheritance.
Hypertrophic cardiomyopathy 14. Identifiers: MedGen C2750467, MONDO:0013197, OMIM 613251.
Primary dilated cardiomyopathy (DCM). Also called: Dilated Cardiomyopathy. Identifiers: Orphanet 217604, MedGen C0007193, MeSH D002311, MONDO:0005021, HP:0001644. Inheritance: Various modes of inheritance.

Allele frequency attached by ClinVar (database versions not stated): gnomAD 0.00022 and 0.00027; ESP Exome Variant Server 0.00023; TOPMed 0.00026; gnomAD exomes 0.00031 and 0.00048; ExAC 0.00032; 1000 Genomes Project 0.00040; 1000 Genomes Project 30x 0.00047.
gnomAD v4.1: 752 of 1,614,172 alleles (0.047%); highest among the groups gnomAD compares: South Asian, 0.092%; 1 homozygote.

Submissions (9):

Women's Health and Genetics/Laboratory Corporation of America, LabCorp
Classification: Likely benign. Last evaluated: 2026-04-02. Review status: criteria provided, single submitter. Criteria: LabCorp Variant Classification Summary - May 2015. Collection method: clinical testing. Allele origin: germline.
Comment: Variant summary: MYH6 c.2614C>T (p.Arg872Cys) results in a non-conservative amino acid change in the encoded protein sequence. Algorithms developed to predict the effect of missense changes on protein structure and function all suggest that this variant is likely to be disruptive. The variant allele was found at a frequency of 0.00031 in 251458 control chromosomes. The observed variant frequency exceeds the estimated maximal expected allele frequency for disease-causing variants in MYH6. c.2614C>T has been observed in individuals affected with Dilated Cardiomyopathy without strong evidence for causality, including one individual who also had a pathogenic variant in TTN (e.g. Pugh_2014, Haas_2015, Verdonschot_2020, Al-Shafai_2021). These reports do not provide unequivocal conclusions about association of the variant with Cardiomyopathy. To our knowledge, no experimental evidence demonstrating an impact on protein function has been reported. The following publications have been ascertained in the context of this evaluation (PMID: 34137518, 25163546, 24503780, 32880476). ClinVar contains an entry for this variant (Variation ID: 44470). Based on the evidence outlined above, the variant was classified as likely benign.

Labcorp Genetics (formerly Invitae), Labcorp
Classification: Likely benign for Hypertrophic cardiomyopathy 14. Last evaluated: 2026-01-26. Review status: criteria provided, single submitter. Criteria: Invitae Variant Classification Sherloc (09022015). Collection method: clinical testing. Allele origin: germline.

Blueprint Genetics
Classification: Likely benign. Last evaluated: 2024-09-12. Review status: criteria provided, single submitter. Criteria: ACMG Guidelines, 2015. Collection method: clinical testing. Allele origin: germline.

GeneDx
Classification: Uncertain significance. Last evaluated: 2024-05-12. Review status: criteria provided, single submitter. Criteria: GeneDx Variant Classification Process June 2021. Collection method: clinical testing. Allele origin: germline. Affected: yes.
Comment: Identified in patients with HCM and DCM in published literature; at least one patient harbored additional cardiogenetic variants (PMID: 24503780, 25351510, 32880476, 25163546); In silico analysis supports that this missense variant has a deleterious effect on protein structure/function; This variant is associated with the following publications: (PMID: 32880476, 25351510, 24503780, 25163546, 29420653)

CeGaT Center for Human Genetics Tuebingen
Classification: Likely benign. Last evaluated: 2023-07-01. Review status: criteria provided, single submitter. Criteria: CeGaT Center For Human Genetics Tuebingen Variant Classification Criteria Version 2. Collection method: clinical testing. Allele origin: germline. Affected: yes. Observed: 1 variant allele.
Comment: MYH6: BS1

Ambry Genetics
Classification: Likely benign for Cardiovascular phenotype. Last evaluated: 2021-03-08. Review status: criteria provided, single submitter. Criteria: Ambry Variant Classification Scheme 2023. Collection method: clinical testing. Allele origin: germline.

CHEO Genetics Diagnostic Laboratory, Children's Hospital of Eastern Ontario
Classification: Benign for Cardiomyopathy. Last evaluated: 2018-02-27. Review status: criteria provided, single submitter. Criteria: ACMG Guidelines, 2015. Collection method: clinical testing. Allele origin: germline.

Laboratory for Molecular Medicine, Mass General Brigham Personalized Medicine
Classification: Uncertain significance. Last evaluated: 2014-12-30. Review status: criteria provided, single submitter. Criteria: LMM Criteria. Collection method: clinical testing. Allele origin: germline. Observed: 3 variant alleles.
Comment: Variant classified as Uncertain Significance - Favor Benign. This variant has been identified in 0.03% (19/67688) of European chromosomes and 0.1% (18/16628) South Asian chromosomes by the Exome Aggregation Consortium (ExAC.; dbSNP rs201193346). Computational prediction tools suggest t hat this variant may impact the protein, though this information is not predicti ve enough to determine pathogenicity. In summary, while the clinical significanc e of the p.Arg872Cys variant is uncertain, its frequency suggests that it is mor e likely to be benign.

Genetics and Genomics Program, Sidra Medicine
Classification: Uncertain significance for Primary dilated cardiomyopathy. Review status: criteria provided, single submitter. Criteria: ACMG Guidelines, 2015. Collection method: research. Allele origin: unknown. Affected: yes. Observed: 1 variant allele.

Literature cited by the submitters: PubMed 24503780 (cited by Women's Health and Genetics/Laboratory Corporation of America, LabCorp and Ambry Genetics); PubMed 25163546 (cited by Women's Health and Genetics/Laboratory Corporation of America, LabCorp and Ambry Genetics); PubMed 32880476 (cited by Women's Health and Genetics/Laboratory Corporation of America, LabCorp); PubMed 34137518 (cited by Women's Health and Genetics/Laboratory Corporation of America, LabCorp); PubMed 25351510 (cited by Ambry Genetics); PubMed 29420653 (cited by Ambry Genetics).